The following is an entry in ClinVar:

NM_020822.3(KCNT1):c.1770-15G>A

Gene: KCNT1 (potassium sodium-activated channel subfamily T member 1; plus strand). Cytogenetic location: 9q34.3.
Variant type: single nucleotide variant.
Coding change: c.1770-15G>A on transcript NM_020822.3 (MANE Select); 15 bases into the intron before coding-DNA position 1770, G replaced by A.
Molecular consequence: intron variant.
Genome position (GRCh38, 1-based): chr9:135,770,842, G>A. VCF-style: chr9-135770842-G-A. GRCh37 (hg19) VCF-style: chr9-138662688-G-A.
Other names: c.1635-15G>A (NM_001272003.2).
Identifiers: ClinVar variation 511332 (VCV000511332.10), dbSNP rs746828967, ClinGen allele CA5327071.

ClinVar aggregate classification (germline): Likely benign. Review status: criteria provided, multiple submitters, no conflicts (2 of 4 stars). 4 submissions from 3 submitters: Likely benign (4). Last evaluated 2025-06-03.

Conditions:
Autosomal dominant nocturnal frontal lobe epilepsy 5. Also called: Epilepsy, nocturnal frontal lobe, 5; CILIARY DYSKINESIA, PRIMARY, 28, WITHOUT SITUS INVERSUS; CILIARY DYSKINESIA, PRIMARY, 28, WITH SITUS INVERSUS; KCNT1-Related Epilepsy. Identifiers: Orphanet 98784, MedGen C3554306, MONDO:0014002, OMIM 615005.
Developmental and epileptic encephalopathy, 14 (DEE14). Also called: Early infantile epileptic encephalopathy 14. Identifiers: Orphanet 293181, MedGen C3554195, MONDO:0013989, OMIM 614959.

Allele frequency attached by ClinVar (database versions not stated): gnomAD exomes 0.00003 and 0.00004; ExAC 0.00005; TOPMed 0.00005; gnomAD 0.00007.
gnomAD v4.1: 60 of 1,553,790 alleles (0.0039%); highest among the groups gnomAD compares: African/African-American, 0.0095%; no homozygotes.

Submissions (4):

Labcorp Genetics (formerly Invitae), Labcorp
Classification: Likely benign for Autosomal dominant nocturnal frontal lobe epilepsy 5; Developmental and epileptic encephalopathy, 14. Last evaluated: 2025-06-03. Review status: criteria provided, single submitter. Criteria: Invitae Variant Classification Sherloc (09022015). Collection method: clinical testing. Allele origin: germline.

Genome-Nilou Lab
Classification: Likely benign for Developmental and epileptic encephalopathy, 14. Last evaluated: 2022-03-15. Review status: criteria provided, single submitter. Criteria: ACMG Guidelines, 2015. Collection method: clinical testing. Allele origin: germline. Affected: no.

Genome-Nilou Lab
Classification: Likely benign for Autosomal dominant nocturnal frontal lobe epilepsy 5. Last evaluated: 2022-03-15. Review status: criteria provided, single submitter. Criteria: ACMG Guidelines, 2015. Collection method: clinical testing. Allele origin: germline. Affected: no.

GeneDx
Classification: Likely benign. Last evaluated: 2017-08-11. Review status: criteria provided, single submitter. Criteria: GeneDx Variant Classification (06012015). Collection method: clinical testing. Allele origin: germline. Affected: yes.
Comment: This variant is considered likely benign or benign based on one or more of the following criteria: it is a conservative change, it occurs at a poorly conserved position in the protein, it is predicted to be benign by multiple in silico algorithms, and/or has population frequency not consistent with disease.